The following is an entry in ClinVar:

NM_032119.4(ADGRV1):c.17095A>G (p.Ile5699Val)

Gene: ADGRV1 (adhesion G protein-coupled receptor V1; plus strand). Cytogenetic location: 5q14.3.
Variant type: single nucleotide variant.
Coding change: c.17095A>G on transcript NM_032119.4 (MANE Select); coding-DNA position 17095, A replaced by G.
Protein change: p.Ile5699Val; replaces isoleucine 5699 with valine.
Molecular consequence: missense variant. On other transcripts: non-coding transcript variant (1).
Genome position (GRCh38, 1-based): chr5:90,848,712, A>G. VCF-style: chr5-90848712-A-G. GRCh37 (hg19) VCF-style: chr5-90144529-A-G.
Other names: c.17095A>G (NM_032119.3); short protein forms I5699V.
Identifiers: ClinVar variation 3731544 (VCV003731544.2).

ClinVar aggregate classification (germline): Uncertain significance. Review status: criteria provided, multiple submitters, no conflicts (2 of 4 stars). 2 submissions from 2 submitters: Uncertain significance (2). Last evaluated 2025-04-13.

Conditions:
Febrile seizures, familial, 4 (FEB4). Also called: CONVULSIONS, FAMILIAL FEBRILE, 4. Identifiers: MedGen C1858493, MONDO:0011443, OMIM 604352.
Inborn genetic diseases. Identifiers: MedGen C0950123, MeSH D030342.

gnomAD v4.1: 1 of 1,588,564 alleles (0.000063%); highest among the groups gnomAD compares: Non-Finnish European, 0.000085%; no homozygotes.

Submissions (2):

Ambry Genetics
Classification: Uncertain significance for Inborn genetic diseases. Last evaluated: 2025-04-13. Review status: criteria provided, single submitter. Criteria: Ambry Variant Classification Scheme 2023. Collection method: clinical testing. Allele origin: germline.

Neuberg Centre For Genomic Medicine, NCGM
Classification: Uncertain significance for Febrile seizures, familial, 4. Last evaluated: 2023-06-22. Review status: criteria provided, single submitter. Criteria: ACMG Guidelines, 2015. Collection method: clinical testing. Allele origin: germline. Inheritance: Autosomal dominant inheritance. Affected: yes.
Comment: The missense variant c.17095A>G (p.Ile5699Val) in the ADGRV1 gene has not been reported previously as a pathogenic variant nor as a benign variant, to our knowledge. This variant is absent in the gnomAD Exomes. The amino acid Ile at position 5699 is changed to a Val changing protein sequence and it might alter its composition and physico-chemical properties. Computational evidence (Polyphen, SIFT and MutationTaster) predicts conflicting evidence on protein structure and function for this variant. The amino acid change p.Ile5699Val in ADGRV1 is predicted as conserved by PhyloP across 100 vertebrates. For these reasons, this variant has been classified as Uncertain Significance.